The following is an entry in ClinVar:

NM_001384732.1(CPLANE1):c.4159C>T (p.His1387Tyr)

Gene: CPLANE1 (ciliogenesis and planar polarity effector complex subunit 1; minus strand). Cytogenetic location: 5p13.2.
Variant type: single nucleotide variant.
Coding change: c.4159C>T on transcript NM_001384732.1 (MANE Select); coding-DNA position 4159, C replaced by T.
Protein change: p.His1387Tyr; replaces histidine 1387 with tyrosine.
Molecular consequence: missense variant.
Genome position (GRCh38, 1-based): chr5:37,186,316, G>A on the plus strand (C>T on the coding strand, the complement: CPLANE1 is on the minus strand). VCF-style: chr5-37186316-G-A. GRCh37 (hg19) VCF-style: chr5-37186418-G-A.
Other names: c.4159C>T, p.His1387Tyr (NM_023073.4); short protein forms H1387Y.
Identifiers: ClinVar variation 1385704 (VCV001385704.5), dbSNP rs749760656, ClinGen allele CA3238764.

ClinVar aggregate classification (germline): Uncertain significance (1 of 4 stars; one submission).

Allele frequency attached by ClinVar (database versions not stated): gnomAD 0.00001; ExAC 0.00002; gnomAD exomes 0.00002 and 0.00004.
gnomAD v4.1: 26 of 1,586,438 alleles (0.0016%); highest among the groups gnomAD compares: South Asian, 0.027%; no homozygotes.

Submission:

Labcorp Genetics (formerly Invitae), Labcorp
Classification: Uncertain significance. Last evaluated: 2021-08-14. Review status: criteria provided, single submitter. Criteria: Invitae Variant Classification Sherloc (09022015). Collection method: clinical testing. Allele origin: germline.
Comment: This sequence change replaces histidine with tyrosine at codon 1387 of the CPLANE1 protein (p.His1387Tyr). The histidine residue is weakly conserved and there is a moderate physicochemical difference between histidine and tyrosine. This variant is present in population databases (rs749760656, ExAC 0.02%). This variant has not been reported in the literature in individuals affected with CPLANE1-related conditions. Advanced modeling of protein sequence and biophysical properties (such as structural, functional, and spatial information, amino acid conservation, physicochemical variation, residue mobility, and thermodynamic stability) performed at Invitae indicates that this missense variant is not expected to disrupt CPLANE1 protein function. In summary, the available evidence is currently insufficient to determine the role of this variant in disease. Therefore, it has been classified as a Variant of Uncertain Significance.